The following is an entry in ClinVar:

NM_000361.3(THBD):c.*1271G>T

Gene: THBD (thrombomodulin; minus strand). Cytogenetic location: 20p11.21.
Variant type: single nucleotide variant.
Coding change: c.*1271G>T on transcript NM_000361.3 (MANE Select); 1271 bases downstream of the stop codon, G replaced by T.
Molecular consequence: 3 prime UTR variant.
Genome position (GRCh38, 1-based): chr20:23,046,506, C>A on the plus strand (G>T on the coding strand, the complement: THBD is on the minus strand). VCF-style: chr20-23046506-C-A. GRCh37 (hg19) VCF-style: chr20-23027143-C-A.
Identifiers: ClinVar variation 899282 (VCV000899282.4), dbSNP rs563439109, ClinGen allele CA313549047.

ClinVar aggregate classification (germline): Benign (1 of 4 stars; one submission).

Conditions:
Atypical hemolytic-uremic syndrome with thrombomodulin anomaly. Also called: HEMOLYTIC UREMIC SYNDROME, ATYPICAL, SUSCEPTIBILITY TO, 6; AHUS, SUSCEPTIBILITY TO, 6. Identifiers: MedGen C2752036, MONDO:0013044, OMIM 612926. Disease mechanism: gain of function.

Allele frequency attached by ClinVar (database versions not stated): TOPMed 0.00002; gnomAD 0.00004 and 0.00006; 1000 Genomes Project 30x 0.00031; 1000 Genomes Project 0.00040.

Submission:

Illumina Laboratory Services, Illumina
Classification: Benign for Atypical hemolytic-uremic syndrome with thrombomodulin anomaly. Last evaluated: 2018-01-12. Review status: criteria provided, single submitter. Criteria: ICSL Variant Classification Criteria 13 December 2019. Collection method: clinical testing. Allele origin: germline.
Comment: This variant was observed in the ICSL laboratory as part of a predisposition screen in an ostensibly healthy population. It had not been previously curated by ICSL or reported in the Human Gene Mutation Database (HGMD: prior to June 1st, 2018), and was therefore a candidate for classification through an automated scoring system. Utilizing variant allele frequency, disease prevalence and penetrance estimates, and inheritance mode, an automated score was calculated to assess if this variant is too frequent to cause the disease. Based on the score and internal cut-off values, a variant classified as benign is not then subjected to further curation. The score for this variant resulted in a classification of benign for this disease.